The following is an entry in ClinVar:

ClinVar aggregate classification (germline): Benign. Review status: criteria provided, single submitter (1 of 4 stars). 2 submissions from 2 submitters: Benign (1). 1 of the submissions does not count toward it. Last evaluated 2025-12-15.

Conditions:
SLC9A3-related disorder. Also called: SLC9A3-related condition.

Allele frequency attached by ClinVar (database versions not stated): TOPMed 0.00006; gnomAD 0.00032; gnomAD exomes 0.00084; ExAC 0.00100; 1000 Genomes Project 30x 0.00265; 1000 Genomes Project 0.00319.

Submissions (2):

Labcorp Genetics (formerly Invitae), Labcorp
Classification: Benign. Last evaluated: 2025-12-15. Review status: criteria provided, single submitter. Criteria: Invitae Variant Classification Sherloc (09022015). Collection method: clinical testing. Allele origin: germline.

PreventionGenetics, part of Exact Sciences
Classification: Likely benign for SLC9A3-related condition. Last evaluated: 2020-02-18. Review status: no assertion criteria provided. Collection method: clinical testing. Allele origin: germline. Not counted in ClinVar's aggregate classification.
Comment: This variant is classified as likely benign based on ACMG/AMP sequence variant interpretation guidelines (Richards et al. 2015 PMID: 25741868, with internal and published modifications).

NM_004174.4(SLC9A3):c.1816C>T (p.Arg606Trp)

Genes: SLC9A3 (solute carrier family 9 member A3), SLC9A3-AS1 (SLC9A3 antisense RNA 1; plus strand). Cytogenetic location: 5p15.33.
Variant type: single nucleotide variant.
Coding change: c.1816C>T on transcript NM_004174.4 (MANE Select); coding-DNA position 1816, C replaced by T.
Protein change: p.Arg606Trp; replaces arginine 606 with tryptophan.
Molecular consequence: missense variant.
Genome position (GRCh38, 1-based): chr5:476,617, G>A on the plus strand (C>T on the coding strand, the complement: SLC9A3 is on the minus strand). VCF-style: chr5-476617-G-A. GRCh37 (hg19) VCF-style: chr5-476732-G-A.
Other names: c.1789C>T, p.Arg597Trp (NM_001284351.3); c.1816C>T (NM_004174.3); short protein forms R597W, R606W.
Identifiers: ClinVar variation 1601494 (VCV001601494.10), dbSNP rs534671417, ClinGen allele CA3175698.
Genomic context (GRCh38, chr5:476,617, plus strand): 5'-TGTACAGGTACTGCTGTAGCGTGTGGTGCGTGACCATGTCCTCCGCGTCCCGGATGCTCC[G>A]CCGTCGCTGCTCCAGAGACTGCATGTCCAGGCAGACAGCGCTGACATTTTCTCTCCTGCG-3'
Protein context (NP_004165.2, residues 596-616): LDMQSLEQRR[Arg606Trp]SIRDAEDMVT